The following is an entry in ClinVar:

ClinVar aggregate classification (germline): Conflicting classifications of pathogenicity. Review status: criteria provided, conflicting classifications (1 of 4 stars). 11 submissions from 11 submitters: Uncertain significance (1); Likely benign (10). Last evaluated 2026-07-01.

Conditions:
Inborn genetic diseases. Identifiers: MedGen C0950123, MeSH D030342.
Wilson disease (WND). Also called: Wilson's disease. Identifiers: Orphanet 905, MedGen C0019202, MONDO:0010200, OMIM 277900. Disease mechanism: loss of function.

Allele frequency attached by ClinVar (database versions not stated): ExAC 0.00005; gnomAD exomes 0.00007 and 0.00008; TOPMed 0.00009; gnomAD 0.00011 and 0.00012; 1000 Genomes Project 30x 0.00016; 1000 Genomes Project 0.00020.
gnomAD v4.1: 133 of 1,613,962 alleles (0.0082%); highest among the groups gnomAD compares: Admixed American, 0.017%; no homozygotes.

Submissions (11):

CeGaT Center for Human Genetics Tuebingen
Classification: Likely benign. Last evaluated: 2026-07-01. Review status: criteria provided, single submitter. Criteria: CeGaT Center For Human Genetics Tuebingen Variant Classification Criteria Version 2. Collection method: clinical testing. Allele origin: germline. Affected: yes. Observed: 3 variant alleles.
Comment: ATP7B: BP4, BP7

Labcorp Genetics (formerly Invitae), Labcorp
Classification: Likely benign for Wilson disease. Last evaluated: 2026-01-26. Review status: criteria provided, single submitter. Criteria: Invitae Variant Classification Sherloc (09022015). Collection method: clinical testing. Allele origin: germline.

Blueprint Genetics
Classification: Likely benign. Last evaluated: 2024-06-10. Review status: criteria provided, single submitter. Criteria: ACMG Guidelines, 2015. Collection method: clinical testing. Allele origin: germline.

All of Us Research Program, National Institutes of Health
Classification: Likely benign for Wilson disease. Last evaluated: 2023-12-13. Review status: criteria provided, single submitter. Criteria: ACMG Guidelines, 2015. Collection method: clinical testing. Allele origin: germline. Inheritance: Autosomal recessive inheritance. Observed: 33 variant alleles, 33 heterozygotes.
Comment: This study involves interpretation of variants in research participants for the purpose of population health screening. Participant phenotype was not available at the time of variant classification. Additional details can be found in publication PMID: 35346344, PMCID: PMC8962531

Color Diagnostics, LLC DBA Color Health
Classification: Likely benign for Wilson disease. Last evaluated: 2022-08-05. Review status: criteria provided, single submitter. Criteria: ACMG Guidelines, 2015. Collection method: clinical testing. Allele origin: germline.

Ambry Genetics
Classification: Likely benign for Inborn genetic diseases. Last evaluated: 2022-07-03. Review status: criteria provided, single submitter. Criteria: Ambry Variant Classification Scheme 2023. Collection method: clinical testing. Allele origin: germline.

Genome-Nilou Lab
Classification: Likely benign for Wilson disease. Last evaluated: 2021-08-10. Review status: criteria provided, single submitter. Criteria: ACMG Guidelines, 2015. Collection method: clinical testing. Allele origin: germline. Affected: no.

ARUP Laboratories, Molecular Genetics and Genomics, ARUP Laboratories
Classification: Likely benign for Wilson disease. Last evaluated: 2019-05-13. Review status: criteria provided, single submitter. Criteria: ARUP Molecular Germline Variant Investigation Process. Collection method: clinical testing. Allele origin: germline.

GeneDx
Classification: Likely benign. Last evaluated: 2017-08-15. Review status: criteria provided, single submitter. Criteria: GeneDx Variant Classification (06012015). Collection method: clinical testing. Allele origin: germline. Affected: yes.
Comment: This variant is considered likely benign or benign based on one or more of the following criteria: it is a conservative change, it occurs at a poorly conserved position in the protein, it is predicted to be benign by multiple in silico algorithms, and/or has population frequency not consistent with disease.

Illumina Laboratory Services, Illumina
Classification: Uncertain significance for Wilson disease. Last evaluated: 2017-04-28. Review status: criteria provided, single submitter. Criteria: ICSL Variant Classification Criteria 13 December 2019. Collection method: clinical testing. Allele origin: germline.

PreventionGenetics, part of Exact Sciences
Classification: Likely benign. Review status: criteria provided, single submitter. Criteria: ACMG Guidelines, 2015. Collection method: clinical testing. Allele origin: germline.

NM_000053.4(ATP7B):c.3402C>T (p.Pro1134=)

Gene: ATP7B (ATPase copper transporting beta; minus strand). Cytogenetic location: 13q14.3.
Variant type: single nucleotide variant.
Coding change: c.3402C>T on transcript NM_000053.4 (MANE Select); coding-DNA position 3402, C replaced by T.
Protein change: p.Pro1134=; no amino-acid change (proline 1134 retained).
Molecular consequence: synonymous variant.
Genome position (GRCh38, 1-based): chr13:51,942,396, G>A on the plus strand (C>T on the coding strand, the complement: ATP7B is on the minus strand). VCF-style: chr13-51942396-G-A. GRCh37 (hg19) VCF-style: chr13-52516532-G-A.
Other names: c.2781C>T, p.Pro927= (NM_001005918.3); c.3069C>T, p.Pro1023= (NM_001243182.2); c.3168C>T, p.Pro1056= (NM_001330578.2); c.3150C>T, p.Pro1050= (NM_001330579.2).
Identifiers: ClinVar variation 254768 (VCV000254768.54), dbSNP rs145887771, ClinGen allele CA6988719.